The following is an entry in ClinVar:

ClinVar aggregate classification (germline): Uncertain significance (1 of 4 stars; one submission).

Conditions:
Hereditary spastic paraplegia 3A (SPG3A). Also called: SPASTIC PARAPLEGIA 3, AUTOSOMAL DOMINANT; FAMILIAL SPASTIC PARAPLEGIA, AUTOSOMAL DOMINANT, 1; SPG3; STRUMPELL DISEASE; Spastic paraplegia 3A, autosomal dominant; Spastic Paraplegia 3A. Identifiers: Orphanet 100984, MedGen C2931355, MONDO:0008437, OMIM 182600.

Submission:

Labcorp Genetics (formerly Invitae), Labcorp
Classification: Uncertain significance for Hereditary spastic paraplegia 3A. Last evaluated: 2021-08-25. Review status: criteria provided, single submitter. Criteria: Invitae Variant Classification Sherloc (09022015). Collection method: clinical testing. Allele origin: germline.
Comment: In summary, the available evidence is currently insufficient to determine the role of this variant in disease. Therefore, it has been classified as a Variant of Uncertain Significance. Experimental studies and prediction algorithms are not available or were not evaluated, and the functional significance of this variant is currently unknown. This variant has not been reported in the literature in individuals affected with ATL1-related conditions. This variant results in a copy number gain of the genomic region encompassing exon(s) 1-8 of the ATL1 gene. This region includes the initiator codon of the gene. This copy number gain extends beyond the assayed region for this gene and therefore may encompass additional genes. As the precise location of this event is unknown, it may be in tandem or it may be located elsewhere in the genome.

NC_000014.8:g.(?_51026984)_(51081249_?)dup

Gene: ATL1 (atlastin GTPase 1; plus strand). Cytogenetic location: 14q22.1.
Variant type: Duplication.
Identifiers: ClinVar variation 1441004 (VCV001441004.4).